The following is an entry in ClinVar:

NM_001194998.2(CEP152):c.1330C>G (p.Gln444Glu)

Gene: CEP152 (centrosomal protein 152; minus strand). Cytogenetic location: 15q21.1.
Variant type: single nucleotide variant.
Coding change: c.1330C>G on transcript NM_001194998.2 (MANE Select); coding-DNA position 1330, C replaced by G.
Protein change: p.Gln444Glu; replaces glutamine 444 with glutamic acid.
Molecular consequence: missense variant.
Genome position (GRCh38, 1-based): chr15:48,782,222, G>C on the plus strand (C>G on the coding strand, the complement: CEP152 is on the minus strand). VCF-style: chr15-48782222-G-C. GRCh37 (hg19) VCF-style: chr15-49074419-G-C.
Other names: c.1330C>G, p.Gln444Glu (NM_014985.4); short protein forms Q444E.
Identifiers: ClinVar variation 2039138 (VCV002039138.1), dbSNP rs201577437, ClinGen allele CA269562373.

ClinVar aggregate classification (germline): Uncertain significance (1 of 4 stars; one submission).

gnomAD v4.1: 9 of 1,613,736 alleles (0.00056%); highest among the groups gnomAD compares: Non-Finnish European, 0.00076%; no homozygotes.

Submission:

Labcorp Genetics (formerly Invitae), Labcorp
Classification: Uncertain significance. Last evaluated: 2022-06-19. Review status: criteria provided, single submitter. Criteria: Invitae Variant Classification Sherloc (09022015). Collection method: clinical testing. Allele origin: germline.
Comment: This sequence change replaces glutamine, which is neutral and polar, with glutamic acid, which is acidic and polar, at codon 444 of the CEP152 protein (p.Gln444Glu). This variant is present in population databases (rs201577437, gnomAD 0.0009%). This variant has not been reported in the literature in individuals affected with CEP152-related conditions. Algorithms developed to predict the effect of missense changes on protein structure and function are either unavailable or do not agree on the potential impact of this missense change (SIFT: "Deleterious"; PolyPhen-2: "Probably Damaging"; Align-GVGD: "Class C0"). In summary, the available evidence is currently insufficient to determine the role of this variant in disease. Therefore, it has been classified as a Variant of Uncertain Significance.